The following is an entry in ClinVar:

NM_001193315.2(VIPAS39):c.398del (p.Pro133fs)

Gene: VIPAS39 (VPS33B interacting protein, apical-basolateral polarity regulator, spe-39 homolog; minus strand). Cytogenetic location: 14q24.3.
Variant type: Deletion.
Coding change: c.398del on transcript NM_001193315.2 (MANE Select); coding-DNA position 398, one base deleted (C; older notation c.398delC).
Protein change: p.Pro133fs; shifts the reading frame from proline 133.
Molecular consequence: frameshift variant. On other transcripts: non-coding transcript variant (1).
Genome position (GRCh38, 1-based): chr14:77,449,342, G deleted on the plus strand (C on the coding strand, the reverse complement: VIPAS39 is on the minus strand); the first of 2 consecutive G bases (chr14:77,449,342-77,449,343); deleting either gives the same sequence. VCF-style (leftmost placement, unchanged base first): chr14-77449341-AG-A. GRCh37 (hg19) VCF-style: chr14-77915684-AG-A.
Other names: c.398del, p.Pro133fs (NM_001193314.2, NM_001193317.2, NM_001400326.1 and 11 more transcripts); c.251del, p.Pro84fs (NM_001193316.2, NM_001400324.1, NM_001400325.1 and 1 more transcripts); short protein forms P133fs, P84fs.
Identifiers: ClinVar variation 4723985 (VCV004723985.1).

ClinVar aggregate classification (germline): Pathogenic (1 of 4 stars; one submission).

Submission:

Labcorp Genetics (formerly Invitae), Labcorp
Classification: Pathogenic. Last evaluated: 2025-12-24. Review status: criteria provided, single submitter. Criteria: Invitae Variant Classification Sherloc (09022015). Collection method: clinical testing. Allele origin: germline.
Comment: This sequence change creates a premature translational stop signal (p.Pro133Leufs*40) in the VIPAS39 gene. It is expected to result in an absent or disrupted protein product. Loss-of-function variants in VIPAS39 are known to be pathogenic (PMID: 20190753, 22753090). This variant is not present in population databases (gnomAD no frequency). This variant has not been reported in the literature in individuals affected with VIPAS39-related conditions. For these reasons, this variant has been classified as Pathogenic.

Literature cited by the submitters: PubMed 20190753; PubMed 22753090.